The following is an entry in ClinVar:

NM_000179.3(MSH6):c.2352C>G (p.Asn784Lys)

Gene: MSH6 (mutS homolog 6; plus strand). Cytogenetic location: 2p16.3.
Variant type: single nucleotide variant.
Coding change: c.2352C>G on transcript NM_000179.3 (MANE Select); coding-DNA position 2352, C replaced by G.
Protein change: p.Asn784Lys; replaces asparagine 784 with lysine.
Molecular consequence: missense variant.
Genome position (GRCh38, 1-based): chr2:47,800,335, C>G. VCF-style: chr2-47800335-C-G. GRCh37 (hg19) VCF-style: chr2-48027474-C-G.
Other names: c.1962C>G, p.Asn654Lys (NM_001281492.2); c.1446C>G, p.Asn482Lys (NM_001281493.2, NM_001281494.2); short protein forms N784K, N654K, N482K.
Identifiers: ClinVar variation 480921 (VCV000480921.16), dbSNP rs1553413722, ClinGen allele CA346753543.

ClinVar aggregate classification (germline): Uncertain significance. Review status: criteria provided, multiple submitters, no conflicts (2 of 4 stars). 4 submissions from 4 submitters: Uncertain significance (4). Last evaluated 2025-09-28.

Conditions:
Lynch syndrome. Identifiers: Orphanet 144, MedGen C4552100, MONDO:0005835. Disease mechanism: loss of function.
Hereditary cancer-predisposing syndrome. Also called: Hereditary Cancer Syndrome; Neoplastic Syndromes, Hereditary; Tumor predisposition; Hereditary neoplastic syndrome. Identifiers: Orphanet 140162, MedGen C0027672, MeSH D009386, MONDO:0015356.
Hereditary nonpolyposis colorectal neoplasms. Identifiers: MedGen C0009405, MeSH D003123.

Submissions (4):

Labcorp Genetics (formerly Invitae), Labcorp
Classification: Uncertain significance for Hereditary nonpolyposis colorectal neoplasms. Last evaluated: 2025-09-28. Review status: criteria provided, single submitter. Criteria: Invitae Variant Classification Sherloc (09022015). Collection method: clinical testing. Allele origin: germline.
Comment: This sequence change replaces asparagine, which is neutral and polar, with lysine, which is basic and polar, at codon 784 of the MSH6 protein (p.Asn784Lys). This variant is not present in population databases (gnomAD no frequency). This variant has not been reported in the literature in individuals affected with MSH6-related conditions. ClinVar contains an entry for this variant (Variation ID: 480921). Invitae Evidence Modeling of protein sequence and biophysical properties (such as structural, functional, and spatial information, amino acid conservation, physicochemical variation, residue mobility, and thermodynamic stability) indicates that this missense variant is not expected to disrupt MSH6 protein function with a negative predictive value of 95%. In summary, the available evidence is currently insufficient to determine the role of this variant in disease. Therefore, it has been classified as a Variant of Uncertain Significance.

Ambry Genetics
Classification: Uncertain significance for Hereditary cancer-predisposing syndrome. Last evaluated: 2025-05-15. Review status: criteria provided, single submitter. Criteria: Ambry Variant Classification Scheme 2023. Collection method: clinical testing. Allele origin: germline.
Comment: The p.N784K variant (also known as c.2352C>G), located in coding exon 4 of the MSH6 gene, results from a C to G substitution at nucleotide position 2352. The asparagine at codon 784 is replaced by lysine, an amino acid with similar properties. This amino acid position is poorly conserved in available vertebrate species. In addition, this alteration is predicted to be tolerated by in silico analysis. Based on the available evidence, the clinical significance of this variant remains unclear.

All of Us Research Program, National Institutes of Health
Classification: Uncertain significance for Lynch syndrome. Last evaluated: 2024-04-16. Review status: criteria provided, single submitter. Criteria: ACMG Guidelines, 2015. Collection method: clinical testing. Allele origin: germline. Inheritance: Autosomal dominant inheritance. Observed: 1 variant allele, 1 heterozygote.
Comment: This missense variant replaces asparagine with lysine at codon 784 of the MSH6 protein. Computational prediction suggests that this variant may not impact protein structure and function (internally defined REVEL score threshold <= 0.5, PMID: 27666373). To our knowledge, functional studies have not been reported for this variant. This variant has not been reported in individuals affected with MSH6-related disorders in the literature. This variant has not been identified in the general population by the Genome Aggregation Database (gnomAD). The available evidence is insufficient to determine the role of this variant in disease conclusively. Therefore, this variant is classified as a Variant of Uncertain Significance.

This study involves interpretation of variants in research participants for the purpose of population health screening. Participant phenotype was not available at the time of variant classification. Additional details can be found in publication PMID: 35346344, PMCID: PMC8962531

Color Diagnostics, LLC DBA Color Health
Classification: Uncertain significance for Hereditary cancer-predisposing syndrome. Last evaluated: 2024-03-21. Review status: criteria provided, single submitter. Criteria: ACMG Guidelines, 2015. Collection method: clinical testing. Allele origin: germline.
Comment: This missense variant replaces asparagine with lysine at codon 784 of the MSH6 protein. Computational prediction suggests that this variant may not impact protein structure and function (internally defined REVEL score threshold <= 0.5, PMID: 27666373). To our knowledge, functional studies have not been reported for this variant. This variant has not been reported in individuals affected with MSH6-related disorders in the literature. This variant has not been identified in the general population by the Genome Aggregation Database (gnomAD). The available evidence is insufficient to determine the role of this variant in disease conclusively. Therefore, this variant is classified as a Variant of Uncertain Significance.

Literature cited by the submitters: PubMed 23621914 (cited by Ambry Genetics).